The following is an entry in ClinVar:

ClinVar aggregate classification (germline): Uncertain significance. Review status: criteria provided, multiple submitters, no conflicts (2 of 4 stars). 3 submissions from 3 submitters: Uncertain significance (3). Last evaluated 2024-12-10.

Conditions:
Hereditary cancer-predisposing syndrome. Also called: Neoplastic Syndromes, Hereditary; Tumor predisposition; Hereditary neoplastic syndrome; Hereditary Cancer Syndrome. Identifiers: Orphanet 140162, MedGen C0027672, MeSH D009386, MONDO:0015356.
Familial cancer of breast. Also called: BREAST CANCER, FAMILIAL; Hereditary breast cancer; hereditary breast carcinoma. Identifiers: Orphanet 227535, MedGen C0346153, MONDO:0016419, OMIM 114480. Disease mechanism: loss of function.

Submissions (3):

Ambry Genetics
Classification: Uncertain significance for Hereditary cancer-predisposing syndrome. Last evaluated: 2024-12-10. Review status: criteria provided, single submitter. Criteria: Ambry Variant Classification Scheme 2023. Collection method: clinical testing. Allele origin: germline.
Comment: The p.E233G variant (also known as c.698A>G), located in coding exon 5 of the CHEK2 gene, results from an A to G substitution at nucleotide position 698. The glutamic acid at codon 233 is replaced by glycine, an amino acid with similar properties. This amino acid position is highly conserved in available vertebrate species. In addition, this alteration is predicted to be deleterious by in silico analysis. Based on the available evidence, the clinical significance of this variant remains unclear.

Labcorp Genetics (formerly Invitae), Labcorp
Classification: Uncertain significance for Familial cancer of breast. Last evaluated: 2024-04-30. Review status: criteria provided, single submitter. Criteria: Invitae Variant Classification Sherloc (09022015). Collection method: clinical testing. Allele origin: germline.
Comment: This sequence change replaces glutamic acid, which is acidic and polar, with glycine, which is neutral and non-polar, at codon 233 of the CHEK2 protein (p.Glu233Gly). This variant is not present in population databases (gnomAD no frequency). This variant has not been reported in the literature in individuals affected with CHEK2-related conditions. ClinVar contains an entry for this variant (Variation ID: 826751). An algorithm developed to predict the effect of missense changes on protein structure and function (PolyPhen-2) suggests that this variant is likely to be disruptive. In summary, the available evidence is currently insufficient to determine the role of this variant in disease. Therefore, it has been classified as a Variant of Uncertain Significance.

GeneDx
Classification: Uncertain significance. Last evaluated: 2019-06-11. Review status: criteria provided, single submitter. Criteria: GeneDx Variant Classification Process June 2021. Collection method: clinical testing. Allele origin: germline. Affected: yes.
Comment: Not observed in large population cohorts (Lek et al., 2016); In silico analysis, which includes protein predictors and evolutionary conservation, supports a deleterious effect; Has not been previously published as pathogenic or benign to our knowledge

NM_007194.4(CHEK2):c.698A>G (p.Glu233Gly)

Gene: CHEK2 (checkpoint kinase 2; minus strand). Cytogenetic location: 22q12.1.
Variant type: single nucleotide variant.
Coding change: c.698A>G on transcript NM_007194.4 (MANE Select); coding-DNA position 698, A replaced by G.
Protein change: p.Glu233Gly; replaces glutamic acid 233 with glycine.
Molecular consequence: missense variant.
Genome position (GRCh38, 1-based): chr22:28,712,003, T>C on the plus strand (A>G on the coding strand, the complement: CHEK2 is on the minus strand). VCF-style: chr22-28712003-T-C. GRCh37 (hg19) VCF-style: chr22-29107991-T-C.
Other names: c.827A>G, p.Glu276Gly (NM_001005735.3); c.35A>G, p.Glu12Gly (NM_001257387.3); c.497A>G, p.Glu166Gly (NM_001349956.3); c.698A>G, p.Glu233Gly (NM_145862.3); short protein forms E166G, E233G, E12G, E276G.
Identifiers: ClinVar variation 826751 (VCV000826751.11), dbSNP rs1601783933, ClinGen allele CA411103468.